The following is an entry in ClinVar:

ClinVar aggregate classification (germline): Uncertain significance (1 of 4 stars; one submission).

Conditions:
Familial hemophagocytic lymphohistiocytosis 5. Also called: STXBP2-Related Familial Hemophagocytic Lymphohistiocytosis (STXBP2-fHLH). Identifiers: Orphanet 540, MedGen C2751293, MONDO:0013135, OMIM 613101.

gnomAD v4.1: 8 of 1,242,032 alleles (0.00064%); highest among the groups gnomAD compares: South Asian, 0.024%; no homozygotes.

Submission:

Labcorp Genetics (formerly Invitae), Labcorp
Classification: Uncertain significance for Familial hemophagocytic lymphohistiocytosis 5. Last evaluated: 2025-06-15. Review status: criteria provided, single submitter. Criteria: Invitae Variant Classification Sherloc (09022015). Collection method: clinical testing. Allele origin: germline.
Comment: This sequence change replaces proline, which is neutral and non-polar, with leucine, which is neutral and non-polar, at codon 3 of the STXBP2 protein (p.Pro3Leu). The frequency data for this variant in the population databases is considered unreliable, as metrics indicate poor data quality at this position in the gnomAD database. This variant has not been reported in the literature in individuals affected with STXBP2-related conditions. ClinVar contains an entry for this variant (Variation ID: 3671432). Invitae Evidence Modeling of protein sequence and biophysical properties (such as structural, functional, and spatial information, amino acid conservation, physicochemical variation, residue mobility, and thermodynamic stability) has been performed for this missense variant. However, the output from this modeling did not meet the statistical confidence thresholds required to predict the impact of this variant on STXBP2 protein function. In summary, the available evidence is currently insufficient to determine the role of this variant in disease. Therefore, it has been classified as a Variant of Uncertain Significance.

NM_006949.4(STXBP2):c.8C>T (p.Pro3Leu)

Gene: STXBP2 (syntaxin binding protein 2; plus strand). Cytogenetic location: 19p13.2.
Variant type: single nucleotide variant.
Coding change: c.8C>T on transcript NM_006949.4 (MANE Select); coding-DNA position 8, C replaced by T.
Protein change: p.Pro3Leu; replaces proline 3 with leucine.
Molecular consequence: missense variant. On other transcripts: non-coding transcript variant (1), intron variant (1).
Genome position (GRCh38, 1-based): chr19:7,637,157, C>T. VCF-style: chr19-7637157-C-T. GRCh37 (hg19) VCF-style: chr19-7702043-C-T.
Other names: c.8C>T, p.Pro3Leu (NM_001127396.3, NM_001272034.2); c.-59-1569C>T (NM_001414484.1); short protein forms P3L.
Identifiers: ClinVar variation 3671432 (VCV003671432.2).